The following is an entry in ClinVar:

ClinVar aggregate classification (germline): Benign/Likely benign. Review status: criteria provided, multiple submitters, no conflicts (2 of 4 stars). 3 submissions from 3 submitters: Benign (1); Likely benign (2). Last evaluated 2026-05-20.

Conditions:
Hereditary cancer-predisposing syndrome. Also called: Neoplastic Syndromes, Hereditary; Tumor predisposition; Hereditary Cancer Syndrome; Hereditary neoplastic syndrome. Identifiers: Orphanet 140162, MedGen C0027672, MeSH D009386, MONDO:0015356.
Cardiovascular phenotype. Identifiers: MedGen CN230736.
Neurofibromatosis, type 1 (NF1). Also called: VON RECKLINGHAUSEN DISEASE; Neurofibromatosis, type I; NEUROFIBROMATOSIS, TYPE I, SOMATIC; Peripheral type neurofibromatosis. Identifiers: Orphanet 636, MedGen C0027831, MONDO:0018975, OMIM 162200. Disease mechanism: loss of function.

gnomAD v4.1: 1 of 1,612,984 alleles (0.000062%); highest among the groups gnomAD compares: Non-Finnish European, 0.000085%; no homozygotes.

Submissions (3):

Myriad Genetics, Inc.
Classification: Benign for Neurofibromatosis, type 1. Last evaluated: 2026-05-20. Review status: criteria provided, single submitter. Criteria: Myriad Autosomal Dominant, Autosomal Recessive and X-Linked Classification Criteria (2023). Collection method: clinical testing. Allele origin: unknown.
Comment: This variant is considered benign. This variant is a silent/synonymous amino acid change and it is not expected to impact splicing.

Ambry Genetics
Classification: Likely benign for Cardiovascular phenotype; Hereditary cancer-predisposing syndrome. Last evaluated: 2025-09-14. Review status: criteria provided, single submitter. Criteria: Ambry Variant Classification Scheme 2023. Collection method: clinical testing. Allele origin: germline.

Labcorp Genetics (formerly Invitae), Labcorp
Classification: Likely benign for Neurofibromatosis, type 1. Last evaluated: 2021-11-01. Review status: criteria provided, single submitter. Criteria: Invitae Variant Classification Sherloc (09022015). Collection method: clinical testing. Allele origin: germline.

NM_001042492.3(NF1):c.5988A>T (p.Ile1996=)

Gene: NF1 (neurofibromin 1; plus strand). Cytogenetic location: 17q11.2.
Variant type: single nucleotide variant.
Coding change: c.5988A>T on transcript NM_001042492.3 (MANE Select); coding-DNA position 5988, A replaced by T.
Protein change: p.Ile1996=; no amino-acid change (isoleucine 1996 retained).
Molecular consequence: synonymous variant.
Genome position (GRCh38, 1-based): chr17:31,335,013, A>T. VCF-style: chr17-31335013-A-T. GRCh37 (hg19) VCF-style: chr17-29662031-A-T.
Other names: c.5925A>T, p.Ile1975= (NM_000267.4).
Identifiers: ClinVar variation 1577799 (VCV001577799.10), dbSNP rs2151550732, ClinGen allele CA499233813.